The following is an entry in ClinVar:

ClinVar aggregate classification (germline): Benign/Likely benign. Review status: criteria provided, multiple submitters, no conflicts (2 of 4 stars). 9 submissions from 8 submitters: Benign (1); Likely benign (7). 1 of the submissions does not count toward it. Last evaluated 2026-02-04.

Conditions:
Glycogen storage disease, type IV (GSD4). Also called: Glycogen storage disease due to glycogen branching enzyme deficiency; AMYLOPECTINOSIS; ANDERSEN DISEASE; BRANCHER DEFICIENCY; CIRRHOSIS, FAMILIAL, WITH DEPOSITION OF ABNORMAL GLYCOGEN; GBE1 DEFICIENCY. Identifiers: Orphanet 367, MedGen C0017923, MONDO:0009292, OMIM 232500.
GBE1-related disorder. Also called: GBE1-related condition; GBE1-related disorders. Identifiers: MedGen CN239402.
Adult polyglucosan body disease (APBN). Also called: GBE1-Adult Polyglucosan Body Disease; POLYGLUCOSAN BODY DISEASE, ADULT FORM. Identifiers: Orphanet 206583, MedGen C1849722, MONDO:0009897, OMIM 263570.
Glycogen storage disease IV, classic hepatic. Also called: GSD IV, CLASSIC HEPATIC. Identifiers: MedGen C1856301.

Allele frequency attached by ClinVar (database versions not stated): gnomAD exomes 0.00035 and 0.00062; ExAC 0.00082; ESP Exome Variant Server 0.00198; 1000 Genomes Project 0.00240; TOPMed 0.00245; 1000 Genomes Project 30x 0.00265.
gnomAD v4.1: 852 of 1,607,914 alleles (0.053%); highest among the groups gnomAD compares: African/African-American, 0.72%; 7 homozygotes.

Submissions (9):

Labcorp Genetics (formerly Invitae), Labcorp
Classification: Benign for Glycogen storage disease, type IV; Glycogen storage disease IV, classic hepatic. Last evaluated: 2026-02-04. Review status: criteria provided, single submitter. Criteria: Invitae Variant Classification Sherloc (09022015). Collection method: clinical testing. Allele origin: germline.

Mayo Clinic Laboratories, Mayo Clinic
Classification: Likely benign. Last evaluated: 2025-07-29. Review status: criteria provided, single submitter. Criteria: ACMG Guidelines, 2015. Collection method: clinical testing. Allele origin: germline. Observed: 9 variant alleles.
Comment: BS1, BP4, BP7

Blueprint Genetics
Classification: Likely benign. Last evaluated: 2024-09-27. Review status: criteria provided, single submitter. Criteria: ACMG Guidelines, 2015. Collection method: clinical testing. Allele origin: germline.

CeGaT Center for Human Genetics Tuebingen
Classification: Likely benign. Last evaluated: 2024-07-01. Review status: criteria provided, single submitter. Criteria: CeGaT Center For Human Genetics Tuebingen Variant Classification Criteria Version 2. Collection method: clinical testing. Allele origin: germline. Affected: yes. Observed: 3 variant alleles.
Comment: GBE1: BP4, BP7

GeneDx
Classification: Likely benign. Last evaluated: 2021-01-12. Review status: criteria provided, single submitter. Criteria: GeneDx Variant Classification Process June 2021. Collection method: clinical testing. Allele origin: germline. Affected: yes.

Illumina Laboratory Services, Illumina
Classification: Likely benign for Adult polyglucosan body disease. Last evaluated: 2018-01-12. Review status: criteria provided, single submitter. Criteria: ICSL Variant Classification Criteria 13 December 2019. Collection method: clinical testing. Allele origin: germline.
Comment: This variant was observed in the ICSL laboratory as part of a predisposition screen in an ostensibly healthy population. It had not been previously curated by ICSL or reported in the Human Gene Mutation Database (HGMD: prior to June 1st, 2018), and was therefore a candidate for classification through an automated scoring system. Utilizing variant allele frequency, disease prevalence and penetrance estimates, and inheritance mode, an automated score was calculated to assess if this variant is too frequent to cause the disease. Based on the score and internal cut-off values, a variant classified as likely benign is not then subjected to further curation. The score for this variant resulted in a classification of likely benign for this disease.

Illumina Laboratory Services, Illumina
Classification: Likely benign for Glycogen storage disease, type IV. Last evaluated: 2018-01-12. Review status: criteria provided, single submitter. Criteria: ICSL Variant Classification Criteria 13 December 2019. Collection method: clinical testing. Allele origin: germline.
Comment: the same text as in the submission from Illumina Laboratory Services, Illumina above.

Breakthrough Genomics
Classification: Likely benign. Review status: criteria provided, single submitter. Criteria: ACMG Guidelines, 2015. Collection method: not provided. Allele origin: germline. Inheritance: Autosomal recessive inheritance. Affected: yes.

PreventionGenetics, part of Exact Sciences
Classification: Likely benign for GBE1-related condition. Last evaluated: 2019-05-02. Review status: no assertion criteria provided. Collection method: clinical testing. Allele origin: germline. Not counted in ClinVar's aggregate classification.
Comment: This variant is classified as likely benign based on ACMG/AMP sequence variant interpretation guidelines (Richards et al. 2015 PMID: 25741868, with internal and published modifications).

NM_000158.4(GBE1):c.24G>A (p.Ala8=)

Gene: GBE1 (1,4-alpha-glucan branching enzyme 1; minus strand). Cytogenetic location: 3p12.2.
Variant type: single nucleotide variant.
Coding change: c.24G>A on transcript NM_000158.4 (MANE Select); coding-DNA position 24, G replaced by A.
Protein change: p.Ala8=; no amino-acid change (alanine 8 retained).
Molecular consequence: synonymous variant.
Genome position (GRCh38, 1-based): chr3:81,761,494, C>T on the plus strand (G>A on the coding strand, the complement: GBE1 is on the minus strand). VCF-style: chr3-81761494-C-T. GRCh37 (hg19) VCF-style: chr3-81810645-C-T.
Other names: p.Ala8=.
Identifiers: ClinVar variation 380492 (VCV000380492.53), dbSNP rs28763906, ClinGen allele CA2500115.